The following is an entry in ClinVar:

ClinVar aggregate classification (germline): Conflicting classifications of pathogenicity. Review status: criteria provided, conflicting classifications (1 of 4 stars). 7 submissions from 7 submitters: Uncertain significance (4); Benign (1); Likely benign (2). Last evaluated 2026-02-25.

Conditions:
Fetal akinesia deformation sequence 1 (FADS1). Also called: Pena-Shokeir syndrome type I; Fetal akinesia sequence. Identifiers: Orphanet 994, MedGen C1276035, MONDO:0100101, OMIM 208150, HP:0001989.
Congenital myasthenic syndrome 10. Also called: Myasthenia, limb-girdle, familial. Identifiers: Orphanet 590, MedGen C1850792, MONDO:0009690, OMIM 254300.
Inborn genetic diseases. Identifiers: MedGen C0950123, MeSH D030342.

Allele frequency attached by ClinVar (database versions not stated): 1000 Genomes Project 30x 0.00031; 1000 Genomes Project 0.00040; TOPMed 0.00091; ESP Exome Variant Server 0.00110.
gnomAD v4.1: 258 of 1,611,080 alleles (0.016%); highest among the groups gnomAD compares: African/African-American, 0.3%; no homozygotes.

Submissions (7):

GeneDx
Classification: Uncertain significance. Last evaluated: 2026-02-25. Review status: criteria provided, single submitter. Criteria: GeneDx Variant Classification Process June 2021. Collection method: clinical testing. Allele origin: germline.
Comment: In silico analysis supports that this missense variant has a deleterious effect on protein structure/function; Has not been previously published as pathogenic or benign to our knowledge; This variant is associated with the following publications: (PMID: 26198629, 20012313, 20603078)

Labcorp Genetics (formerly Invitae), Labcorp
Classification: Likely benign for Congenital myasthenic syndrome 10; Fetal akinesia deformation sequence 1. Last evaluated: 2026-01-17. Review status: criteria provided, single submitter. Criteria: Invitae Variant Classification Sherloc (09022015). Collection method: clinical testing. Allele origin: germline.

Women's Health and Genetics/Laboratory Corporation of America, LabCorp
Classification: Likely benign. Last evaluated: 2025-10-09. Review status: criteria provided, single submitter. Criteria: LabCorp Variant Classification Summary - May 2015. Collection method: clinical testing. Allele origin: germline.
Comment: Variant summary: DOK7 c.161G>A (p.Arg54His) results in a non-conservative amino acid change in the encoded protein sequence. Algorithms developed to predict the effect of missense changes on protein structure and function are either unavailable or do not agree on the potential impact of this missense change. The variant allele was found at a frequency of 0.00017 in 247908 control chromosomes, predominantly at a frequency of 0.0027 within the African or African-American subpopulation in the gnomAD database. The observed variant frequency within African or African-American control individuals in the gnomAD database exceeds the estimated maximal expected allele frequency for disease-causing variants in DOK7. To our knowledge, no occurrence of c.161G>A in individuals affected with DOK7-related conditions and no experimental evidence demonstrating its impact on protein function have been reported. ClinVar contains an entry for this variant (Variation ID: 285098). Based on the evidence outlined above, the variant was classified as likely benign.

Ambry Genetics
Classification: Uncertain significance for Inborn genetic diseases. Last evaluated: 2025-08-30. Review status: criteria provided, single submitter. Criteria: Ambry Variant Classification Scheme 2023. Collection method: clinical testing. Allele origin: germline.

Blueprint Genetics
Classification: Uncertain significance. Last evaluated: 2024-02-19. Review status: criteria provided, single submitter. Criteria: ACMG Guidelines, 2015. Collection method: clinical testing. Allele origin: germline.

Revvity Omics, Revvity
Classification: Benign. Last evaluated: 2023-04-13. Review status: criteria provided, single submitter. Criteria: ACMG Guidelines, 2015. Collection method: clinical testing. Allele origin: germline.

Eurofins Ntd Llc (ga)
Classification: Uncertain significance. Last evaluated: 2015-12-24. Review status: criteria provided, single submitter. Criteria: EGL Classification Definitions 2015. Collection method: clinical testing. Allele origin: germline. Observed: 1 variant allele, 1 heterozygote.

NM_173660.5(DOK7):c.161G>A (p.Arg54His)

Gene: DOK7 (docking protein 7; plus strand). Cytogenetic location: 4p16.3.
Variant type: single nucleotide variant.
Coding change: c.161G>A on transcript NM_173660.5 (MANE Select); coding-DNA position 161, G replaced by A.
Protein change: p.Arg54His; replaces arginine 54 with histidine.
Molecular consequence: missense variant. On other transcripts: intron variant (1).
Genome position (GRCh38, 1-based): chr4:3,473,466, G>A. VCF-style: chr4-3473466-G-A. GRCh37 (hg19) VCF-style: chr4-3475193-G-A.
Other names: c.100+9915G>A (NM_001363811.2); c.161G>A, p.Arg54His (NM_001301071.2, NM_001164673.2); short protein forms R54H.
Identifiers: ClinVar variation 285098 (VCV000285098.30), dbSNP rs201818140, ClinGen allele CA2828894.